The following is an entry in ClinVar:

ClinVar aggregate classification (germline): Likely benign (1 of 4 stars; one submission).

Allele frequency attached by ClinVar (database versions not stated): gnomAD exomes 0.00016; ExAC 0.00060; 1000 Genomes Project 30x 0.00172; 1000 Genomes Project 0.00180; gnomAD 0.00194; TOPMed 0.00209; ESP Exome Variant Server 0.00231.
gnomAD v4.1: 538 of 1,613,796 alleles (0.033%); highest among the groups gnomAD compares: African/African-American, 0.65%; 3 homozygotes.

Submission:

CeGaT Center for Human Genetics Tuebingen
Classification: Likely benign. Last evaluated: 2022-09-01. Review status: criteria provided, single submitter. Criteria: CeGaT Center For Human Genetics Tuebingen Variant Classification Criteria Version 2. Collection method: clinical testing. Allele origin: germline. Affected: yes. Observed: 1 variant allele.
Comment: IGDCC4: BP4, BP7

NM_020962.3(IGDCC4):c.1455C>T (p.Thr485=)

Gene: IGDCC4 (immunoglobulin superfamily DCC subclass member 4; minus strand). Cytogenetic location: 15q22.31.
Variant type: single nucleotide variant.
Coding change: c.1455C>T on transcript NM_020962.3 (MANE Select); coding-DNA position 1455, C replaced by T.
Protein change: p.Thr485=; no amino-acid change (threonine 485 retained).
Molecular consequence: synonymous variant.
Genome position (GRCh38, 1-based): chr15:65,395,215, G>A on the plus strand (C>T on the coding strand, the complement: IGDCC4 is on the minus strand). VCF-style: chr15-65395215-G-A. GRCh37 (hg19) VCF-style: chr15-65687553-G-A.
Identifiers: ClinVar variation 2645461 (VCV002645461.24), dbSNP rs115373732, ClinGen allele CA7617749.
Genomic context (GRCh38, chr15:65,395,215, plus strand): 5'-GGCCACCACGTAGAACTCATAATCTGTGTTGGGTTCCAGGTCCCGAACCTGTAGTTCTGT[G>A]GTGTCGTTGTTCACTGCAAACTGGTATTCCACATTGTCCATGCCTGGTGACACGGGGGAC-3'
Protein context (NP_066013.1, residues 475-495): VEYQFAVNND[Thr485=]TELQVRDLEP